The following is an entry in ClinVar:

ClinVar aggregate classification (germline): Conflicting classifications of pathogenicity. Review status: criteria provided, conflicting classifications (1 of 4 stars). 5 submissions from 5 submitters: Uncertain significance (4); Likely benign (1). Last evaluated 2025-10-26.

Conditions:
Hereditary cancer-predisposing syndrome. Also called: Neoplastic Syndromes, Hereditary; Tumor predisposition; Hereditary Cancer Syndrome; Hereditary neoplastic syndrome. Identifiers: Orphanet 140162, MedGen C0027672, MeSH D009386, MONDO:0015356.
Hereditary breast ovarian cancer syndrome. Also called: BRCA1- and BRCA2-Associated Hereditary Breast and Ovarian Cancer; Hereditary breast and ovarian cancer syndrome; Hereditary breast and ovarian cancer; Hereditary breast and ovarian cancer syndrome (HBOC); Breast and ovarian cancer; Hereditary breast and/or ovarian cancer syndrome. Identifiers: Orphanet 145, MedGen C0677776, MeSH D061325, MONDO:0003582. Disease mechanism: loss of function.

gnomAD v4.1: 2 of 1,613,484 alleles (0.00012%); highest among the groups gnomAD compares: Non-Finnish European, 0.00017%; no homozygotes.

Submissions (5):

Labcorp Genetics (formerly Invitae), Labcorp
Classification: Uncertain significance for Hereditary breast ovarian cancer syndrome. Last evaluated: 2025-10-26. Review status: criteria provided, single submitter. Criteria: Invitae Variant Classification Sherloc (09022015). Collection method: clinical testing. Allele origin: germline.
Comment: This sequence change replaces proline, which is neutral and non-polar, with leucine, which is neutral and non-polar, at codon 412 of the BRCA2 protein (p.Pro412Leu). This variant is not present in population databases (gnomAD no frequency). This variant has not been reported in the literature in individuals affected with BRCA2-related conditions. ClinVar contains an entry for this variant (Variation ID: 232221). Invitae Evidence Modeling of protein sequence and biophysical properties (such as structural, functional, and spatial information, amino acid conservation, physicochemical variation, residue mobility, and thermodynamic stability) indicates that this missense variant is not expected to disrupt BRCA2 protein function with a negative predictive value of 95%. In summary, the available evidence is currently insufficient to determine the role of this variant in disease. Therefore, it has been classified as a Variant of Uncertain Significance.

Ambry Genetics
Classification: Uncertain significance for Hereditary cancer-predisposing syndrome. Last evaluated: 2023-11-21. Review status: criteria provided, single submitter. Criteria: Ambry Variant Classification Scheme 2023. Collection method: clinical testing. Allele origin: germline.
Comment: The p.P412L variant (also known as c.1235C>T), located in coding exon 9 of the BRCA2 gene, results from a C to T substitution at nucleotide position 1235. The proline at codon 412 is replaced by leucine, an amino acid with similar properties. This amino acid position is not well conserved in available vertebrate species. In addition, this alteration is predicted to be tolerated by in silico analysis. Since supporting evidence is limited at this time, the clinical significance of this alteration remains unclear.

University of Washington Department of Laboratory Medicine, University of Washington
Classification: Likely benign for Hereditary cancer-predisposing syndrome. Last evaluated: 2023-03-23. Review status: criteria provided, single submitter. Criteria: Dines et al. (Genet Med. 2020). Collection method: curation. Allele origin: germline.
Comment: Missense variant in a coldspot region where missense variants are very unlikely to be pathogenic (PMID:31911673).

BRCA2 exon 10 coldspot. Reclassification based on statistical prior probability.

Women's Health and Genetics/Laboratory Corporation of America, LabCorp
Classification: Uncertain significance. Last evaluated: 2020-06-29. Review status: criteria provided, single submitter. Criteria: LabCorp Variant Classification Summary - May 2015. Collection method: clinical testing. Allele origin: germline.
Comment: Variant summary: BRCA2 c.1235C>T (p.Pro412Leu) results in a non-conservative amino acid change in the encoded protein sequence. Three of five in-silico tools predict a benign effect of the variant on protein function. The variant was absent in 249956 control chromosomes. The available data on variant occurrences in the general population are insufficient to allow any conclusion about variant significance. To our knowledge, no occurrence of c.1235C>T in individuals affected with Hereditary Breast And Ovarian Cancer Syndrome and no experimental evidence demonstrating its impact on protein function have been reported. Two clinical diagnostic laboratories have submitted clinical-significance assessments for this variant to ClinVar after 2014 without evidence for independent evaluation. All laboratories classified the variant as uncertain significance. Based on the evidence outlined above, the variant was classified as uncertain significance.

Color Diagnostics, LLC DBA Color Health
Classification: Uncertain significance for Hereditary cancer-predisposing syndrome. Last evaluated: 2020-01-02. Review status: criteria provided, single submitter. Criteria: ACMG Guidelines, 2015. Collection method: clinical testing. Allele origin: germline.
Comment: This missense variant replaces proline with leucine at codon 412 of the BRCA2 protein. Computational prediction suggests that this variant may not impact protein structure and function (internally defined REVEL score threshold <= 0.5, PMID: 27666373). Splice site prediction tools suggest that this variant may not impact RNA splicing. To our knowledge, functional studies have not been performed for this variant. This variant has not been reported in individuals affected with hereditary cancer in the literature. This variant has not been identified in the general population by the Genome Aggregation Database (gnomAD). The available evidence is insufficient to determine the role of this variant in disease conclusively. Therefore, this variant is classified as a Variant of Uncertain Significance.

NM_000059.4(BRCA2):c.1235C>T (p.Pro412Leu)

Gene: BRCA2 (BRCA2 DNA repair associated; plus strand). Cytogenetic location: 13q13.1.
Variant type: single nucleotide variant.
Coding change: c.1235C>T on transcript NM_000059.4 (MANE Select); coding-DNA position 1235, C replaced by T.
Protein change: p.Pro412Leu; replaces proline 412 with leucine.
Molecular consequence: missense variant.
Genome position (GRCh38, 1-based): chr13:32,332,713, C>T. VCF-style: chr13-32332713-C-T. GRCh37 (hg19) VCF-style: chr13-32906850-C-T.
Other names: short protein forms P412L.
Identifiers: ClinVar variation 232221 (VCV000232221.19), dbSNP rs876659628, ClinGen allele CA10579488.